The following is an entry in ClinVar:

NM_001267550.2(TTN):c.106375-7T>C

Genes: TTN (titin; minus strand), TTN-AS1 (TTN antisense RNA 1; plus strand). Cytogenetic location: 2q31.2.
Variant type: single nucleotide variant.
Coding change: c.106375-7T>C on transcript NM_001267550.2 (MANE Select); 7 bases into the intron before coding-DNA position 106375, T replaced by C.
Molecular consequence: intron variant.
Genome position (GRCh38, 1-based): chr2:178,530,123, A>G on the plus strand (T>C on the coding strand, the complement: TTN is on the minus strand). VCF-style: chr2-178530123-A-G. GRCh37 (hg19) VCF-style: chr2-179394850-A-G.
Other names: c.79180-7T>C (NM_003319.4); c.79756-7T>C (NM_133437.4); c.79555-7T>C (NM_133432.3); c.98671-7T>C (NM_133378.4); c.101452-7T>C (NM_001256850.1).
Identifiers: ClinVar variation 2161472 (VCV002161472.5), dbSNP rs371270459, ClinGen allele CA60953086.
Genomic context (GRCh38, chr2:178,530,123, plus strand): 5'-GAAGAACCCTCCCTTGTCTTCAGAGAGTTTATATTTACCTCCTTGTGTAATGGCCTGTAG[A>G]ATGCAAATGATTTGTGTTTTAAAAAGTGATTTCATTTTAAGCTTTTTTTGGGAAGCTGAA-3'

ClinVar aggregate classification (germline): Likely benign. Review status: criteria provided, multiple submitters, no conflicts (2 of 4 stars). 2 submissions from 2 submitters: Likely benign (2). Last evaluated 2025-04-23.

Conditions:
Dilated cardiomyopathy 1G (CMD1G). Identifiers: Orphanet 154, MedGen C1858763, MONDO:0011400, OMIM 604145.
Autosomal recessive limb-girdle muscular dystrophy type 2J (LGMDR10). Also called: MUSCULAR DYSTROPHY, LIMB-GIRDLE, AUTOSOMAL RECESSIVE 10; Limb-girdle muscular dystrophy, type 2J. Identifiers: Orphanet 140922, MedGen C1837342, MONDO:0012127, OMIM 608807.
TTN-related disorder. Also called: TTN-related disorders; TTN-related condition; TTN-related disease.

Allele frequency attached by ClinVar (database versions not stated): gnomAD 0.00001; TOPMed 0.00002; ESP Exome Variant Server 0.00009.

Submissions (2):

Labcorp Genetics (formerly Invitae), Labcorp
Classification: Likely benign for Dilated cardiomyopathy 1G; Autosomal recessive limb-girdle muscular dystrophy type 2J. Last evaluated: 2025-04-23. Review status: criteria provided, single submitter. Criteria: Invitae Variant Classification Sherloc (09022015). Collection method: clinical testing. Allele origin: germline.

PreventionGenetics, part of Exact Sciences
Classification: Likely benign for TTN-related condition. Last evaluated: 2025-04-20. Review status: criteria provided, single submitter. Criteria: ACMG Guidelines, 2015. Collection method: clinical testing. Allele origin: germline.
Comment: This variant is classified as likely benign based on ACMG/AMP sequence variant interpretation guidelines (Richards et al. 2015 PMID: 25741868, with internal and published modifications).